The following is an entry in ClinVar:

NM_181523.3(PIK3R1):c.562C>T (p.Arg188Cys)

Gene: PIK3R1 (phosphoinositide-3-kinase regulatory subunit 1; plus strand). Cytogenetic location: 5q13.1.
Variant type: single nucleotide variant.
Coding change: c.562C>T on transcript NM_181523.3 (MANE Select); coding-DNA position 562, C replaced by T.
Protein change: p.Arg188Cys; replaces arginine 188 with cysteine.
Molecular consequence: missense variant.
Genome position (GRCh38, 1-based): chr5:68,279,661, C>T. VCF-style: chr5-68279661-C-T. GRCh37 (hg19) VCF-style: chr5-67575489-C-T.
Other names: short protein forms R188C.
Identifiers: ClinVar variation 943204 (VCV000943204.8), dbSNP rs547196342, ClinGen allele CA3290074.

ClinVar aggregate classification (germline): Uncertain significance (1 of 4 stars; one submission).

Conditions:
Agammaglobulinemia 7, autosomal recessive (AGM7). Also called: AGAMMAGLOBULINEMIA, AUTOSOMAL RECESSIVE, DUE TO PIK3R1 DEFECT. Identifiers: MedGen C3554689, MONDO:0014083, OMIM 615214.
SHORT syndrome. Also called: LIPODYSTROPHY, PARTIAL, WITH RIEGER ANOMALY AND SHORT STATURE; PIK3R1-Related SHORT Syndrome; SHORT STATURE, HYPEREXTENSIBILITY, HERNIA, OCULAR DEPRESSION, RIEGER ANOMALY, AND TEETHING DELAY. Identifiers: Orphanet 3163, MedGen C0878684, MONDO:0010026, OMIM 269880.
Immunodeficiency 36 with lymphoproliferation. Also called: Immunodeficiency 36; Activated PI3K Delta Syndrome Type 2 (APDS2); ACTIVATED PI3K-DELTA SYNDROME 2. Identifiers: Orphanet 397596, Orphanet 693681, MedGen C4014934, MONDO:0014453, OMIM 616005.

Allele frequency attached by ClinVar (database versions not stated): gnomAD exomes 0.00001 and 0.00003; TOPMed 0.00001; ExAC 0.00004; gnomAD 0.00004; 1000 Genomes Project 30x 0.00016; 1000 Genomes Project 0.00020.
gnomAD v4.1: 22 of 1,613,888 alleles (0.0014%); highest among the groups gnomAD compares: South Asian, 0.011%; no homozygotes.

Submission:

Labcorp Genetics (formerly Invitae), Labcorp
Classification: Uncertain significance for SHORT syndrome; Immunodeficiency 36 with lymphoproliferation; Agammaglobulinemia 7, autosomal recessive. Last evaluated: 2025-07-02. Review status: criteria provided, single submitter. Criteria: Invitae Variant Classification Sherloc (09022015). Collection method: clinical testing. Allele origin: germline.
Comment: This sequence change replaces arginine, which is basic and polar, with cysteine, which is neutral and slightly polar, at codon 188 of the PIK3R1 protein (p.Arg188Cys). This variant is present in population databases (rs547196342, gnomAD 0.02%). This variant has not been reported in the literature in individuals affected with PIK3R1-related conditions. ClinVar contains an entry for this variant (Variation ID: 943204). An algorithm developed to predict the effect of missense changes on protein structure and function (PolyPhen-2) suggests that this variant is likely to be disruptive. In summary, the available evidence is currently insufficient to determine the role of this variant in disease. Therefore, it has been classified as a Variant of Uncertain Significance.